The following is an entry in ClinVar:

NM_001352514.2(HLCS):c.460A>G (p.Met154Val)

Gene: HLCS (holocarboxylase synthetase; minus strand). Cytogenetic location: 21q22.13.
Variant type: single nucleotide variant.
Coding change: c.460A>G on transcript NM_001352514.2 (MANE Select); coding-DNA position 460, A replaced by G.
Protein change: p.Met154Val; replaces methionine 154 with valine.
Molecular consequence: missense variant. On other transcripts: non-coding transcript variant (2).
Genome position (GRCh38, 1-based): chr21:36,938,865, T>C on the plus strand (A>G on the coding strand, the complement: HLCS is on the minus strand). VCF-style: chr21-36938865-T-C. GRCh37 (hg19) VCF-style: chr21-38311165-T-C.
Other names: c.19A>G, p.Met7Val (NM_000411.8, NM_001242784.3, NM_001242785.2 and 4 more transcripts); short protein forms M154V, M7V.
Identifiers: ClinVar variation 2073274 (VCV002073274.1), dbSNP rs760691053, ClinGen allele CA10020779.

ClinVar aggregate classification (germline): Uncertain significance (1 of 4 stars; one submission).

Conditions:
Holocarboxylase synthetase deficiency. Also called: MULTIPLE CARBOXYLASE DEFICIENCY, EARLY ONSET. Identifiers: Orphanet 79242, MedGen C0268581, MONDO:0009666, OMIM 253270.

Allele frequency attached by ClinVar (database versions not stated): ExAC 0.00002; gnomAD 0.00002; gnomAD exomes 0.00003; TOPMed 0.00003.

Submission:

Labcorp Genetics (formerly Invitae), Labcorp
Classification: Uncertain significance for Holocarboxylase synthetase deficiency. Last evaluated: 2021-12-03. Review status: criteria provided, single submitter. Criteria: Invitae Variant Classification Sherloc (09022015). Collection method: clinical testing. Allele origin: germline.
Comment: This sequence change replaces methionine, which is neutral and non-polar, with valine, which is neutral and non-polar, at codon 7 of the HLCS protein (p.Met7Val). This variant is present in population databases (rs760691053, gnomAD 0.007%). This variant has not been reported in the literature in individuals affected with HLCS-related conditions. Advanced modeling of protein sequence and biophysical properties (such as structural, functional, and spatial information, amino acid conservation, physicochemical variation, residue mobility, and thermodynamic stability) performed at Invitae indicates that this missense variant is not expected to disrupt HLCS protein function. In summary, the available evidence is currently insufficient to determine the role of this variant in disease. Therefore, it has been classified as a Variant of Uncertain Significance.